The following is an entry in ClinVar:

ClinVar aggregate classification (germline): Uncertain significance (1 of 4 stars; one submission).

Conditions:
Multiple acyl-CoA dehydrogenase deficiency (MADD). Also called: Glutaric Acidemia type 2; ETHYLMALONIC-ADIPICACIDURIA; GA II; Glutaric aciduria, type 2; Glutaric acidemia type II; GA 2. Identifiers: Orphanet 26791, MedGen C0268596, MONDO:0009282, OMIM 231680.

Allele frequency attached by ClinVar (database versions not stated): gnomAD exomes below 0.00001; TOPMed below 0.00001; ExAC 0.00001.
gnomAD v4.1: 5 of 1,583,900 alleles (0.00032%); highest among the groups gnomAD compares: Non-Finnish European, 0.00043%; no homozygotes.

Submission:

Labcorp Genetics (formerly Invitae), Labcorp
Classification: Uncertain significance for Multiple acyl-CoA dehydrogenase deficiency. Last evaluated: 2022-06-15. Review status: criteria provided, single submitter. Criteria: Invitae Variant Classification Sherloc (09022015). Collection method: clinical testing. Allele origin: germline.
Comment: This sequence change replaces lysine, which is basic and polar, with glutamic acid, which is acidic and polar, at codon 332 of the ETFA protein (p.Lys332Glu). This variant is present in population databases (rs759203081, gnomAD 0.002%). This variant has not been reported in the literature in individuals affected with ETFA-related conditions. Algorithms developed to predict the effect of missense changes on protein structure and function are either unavailable or do not agree on the potential impact of this missense change (SIFT: "Deleterious"; PolyPhen-2: "Benign"; Align-GVGD: "Class C0"). In summary, the available evidence is currently insufficient to determine the role of this variant in disease. Therefore, it has been classified as a Variant of Uncertain Significance.

NM_000126.4(ETFA):c.994A>G (p.Lys332Glu)

Gene: ETFA (electron transfer flavoprotein subunit alpha; minus strand). Cytogenetic location: 15q24.2.
Variant type: single nucleotide variant.
Coding change: c.994A>G on transcript NM_000126.4 (MANE Select); coding-DNA position 994, A replaced by G.
Protein change: p.Lys332Glu; replaces lysine 332 with glutamic acid.
Molecular consequence: missense variant.
Genome position (GRCh38, 1-based): chr15:76,216,567, T>C on the plus strand (A>G on the coding strand, the complement: ETFA is on the minus strand). VCF-style: chr15-76216567-T-C. GRCh37 (hg19) VCF-style: chr15-76508908-T-C.
Other names: c.847A>G, p.Lys283Glu (NM_001127716.2); short protein forms K283E, K332E.
Identifiers: ClinVar variation 1950324 (VCV001950324.2), dbSNP rs759203081, ClinGen allele CA7673526.